The following is an entry in ClinVar:

NM_001040142.2(SCN2A):c.2202T>C (p.Asn734=)

Gene: SCN2A (sodium voltage-gated channel alpha subunit 2; plus strand). Cytogenetic location: 2q24.3.
Variant type: single nucleotide variant.
Coding change: c.2202T>C on transcript NM_001040142.2 (MANE Select); coding-DNA position 2202, T replaced by C.
Protein change: p.Asn734=; no amino-acid change (asparagine 734 retained).
Molecular consequence: synonymous variant.
Genome position (GRCh38, 1-based): chr2:165,331,382, T>C. VCF-style: chr2-165331382-T-C. GRCh37 (hg19) VCF-style: chr2-166187892-T-C.
Other names: c.2202T>C, p.Asn734= (NM_001040143.2, NM_001371246.1, NM_001371247.1 and 1 more transcripts).
Identifiers: ClinVar variation 3239400 (VCV003239400.19), dbSNP rs2467961671.
Genomic context (GRCh38, chr2:165,331,382, plus strand): 5'-TCTTCCAGAACTTGAAGAATCCAGACAGAAATGCCCACCATGCTGGTATAAATTTGCTAA[T>C]ATGTGTTTGATTTGGGACTGTTGTAAACCATGGTTAAAGGTGAAACACCTTGTCAACCTG-3'
Protein context (NP_001035232.1, residues 724-744): KCPPCWYKFA[Asn734=]MCLIWDCCKP

ClinVar aggregate classification (germline): Likely benign (1 of 4 stars; one submission).

Submission:

CeGaT Center for Human Genetics Tuebingen
Classification: Likely benign. Last evaluated: 2024-05-01. Review status: criteria provided, single submitter. Criteria: CeGaT Center For Human Genetics Tuebingen Variant Classification Criteria Version 2. Collection method: clinical testing. Allele origin: germline. Affected: yes. Observed: 1 variant allele.
Comment: SCN2A: PM2:Supporting, BP4, BP7